The following is an entry in ClinVar:

NM_000090.4(COL3A1):c.1550C>G (p.Pro517Arg)

Gene: COL3A1 (collagen type III alpha 1 chain; plus strand). Cytogenetic location: 2q32.2.
Variant type: single nucleotide variant.
Coding change: c.1550C>G on transcript NM_000090.4 (MANE Select); coding-DNA position 1550, C replaced by G.
Protein change: p.Pro517Arg; replaces proline 517 with arginine.
Molecular consequence: missense variant.
Genome position (GRCh38, 1-based): chr2:188,995,732, C>G. VCF-style: chr2-188995732-C-G. GRCh37 (hg19) VCF-style: chr2-189860458-C-G.
Other names: short protein forms P517R.
Identifiers: ClinVar variation 844200 (VCV000844200.20), dbSNP rs142085247, ClinGen allele CA62596947.

ClinVar aggregate classification (germline): Uncertain significance. Review status: criteria provided, multiple submitters, no conflicts (2 of 4 stars). 7 submissions from 7 submitters: Uncertain significance (7). Last evaluated 2025-12-29.

Conditions:
Familial thoracic aortic aneurysm and aortic dissection (TAAD). Also called: Thoracic aortic aneurysms and dissections. Identifiers: Orphanet 91387, MedGen C4707243, MONDO:0019625.
Ehlers-Danlos syndrome, type 4 (EDSVASC). Also called: Ehlers-Danlos Syndrome Type IV; Ehlers-Danlos syndrome vascular type; Ehlers Danlos syndrome, ecchymotic type; Ehlers Danlos syndrome, arterial type; Ehlers Danlos syndrome, Sack-Barabas type. Identifiers: Orphanet 286, MedGen C0268338, MONDO:0017314, OMIM 130050.

Allele frequency attached by ClinVar (database versions not stated): TOPMed 0.00001.
gnomAD v4.1: 56 of 1,565,758 alleles (0.0036%); highest among the groups gnomAD compares: Non-Finnish European, 0.0048%; no homozygotes.

Submissions (7):

Women's Health and Genetics/Laboratory Corporation of America, LabCorp
Classification: Uncertain significance. Last evaluated: 2025-12-29. Review status: criteria provided, single submitter. Criteria: LabCorp Variant Classification Summary - May 2015. Collection method: clinical testing. Allele origin: germline.
Comment: Variant summary: COL3A1 c.1550C>G (p.Pro517Arg) results in a non-conservative amino acid change located in the Collagen triple helix repeat region (IPR008160) of the encoded protein sequence. Algorithms developed to predict the effect of missense changes on protein structure and function all suggest that this variant is likely to be disruptive. The variant allele was found at a frequency of 3.6e-05 in 1558928 control chromosomes (gnomAD). This frequency is not significantly higher than estimated for disease-causing variants in COL3A1, allowing no conclusion about variant significance. c.1550C>G has been observed in individual(s) affected with clinical features of COL3A1-related conditions (Labcorp Genetics (formerly Invitae) internal data), in addition it was reported in a patient affected with coronary artery aneurysms (Norgan Radler_2025). These data do not allow any conclusion about variant significance. To our knowledge, no experimental evidence demonstrating an impact on protein function has been reported. The following publications have been ascertained in the context of this evaluation (PMID: 39996803). ClinVar contains an entry for this variant (Variation ID: 844200). Based on the evidence outlined above, the variant was classified as uncertain significance.

Labcorp Genetics (formerly Invitae), Labcorp
Classification: Uncertain significance for Ehlers-Danlos syndrome, type 4. Last evaluated: 2025-12-08. Review status: criteria provided, single submitter. Criteria: Invitae Variant Classification Sherloc (09022015). Collection method: clinical testing. Allele origin: germline.
Comment: This sequence change replaces proline, which is neutral and non-polar, with arginine, which is basic and polar, at codon 517 of the COL3A1 protein (p.Pro517Arg). This variant is present in population databases (rs142085247, gnomAD 0.001%). This missense change has been observed in individual(s) with clinical features of COL3A1-related conditions (PMID: 39996803; internal data). ClinVar contains an entry for this variant (Variation ID: 844200). Invitae Evidence Modeling of protein sequence and biophysical properties (such as structural, functional, and spatial information, amino acid conservation, physicochemical variation, residue mobility, and thermodynamic stability) has been performed for this missense variant. However, the output from this modeling did not meet the statistical confidence thresholds required to predict the impact of this variant on COL3A1 protein function. In summary, the available evidence is currently insufficient to determine the role of this variant in disease. Therefore, it has been classified as a Variant of Uncertain Significance.

GeneDx
Classification: Uncertain significance. Last evaluated: 2025-10-01. Review status: criteria provided, single submitter. Criteria: GeneDx Variant Classification Process June 2021. Collection method: clinical testing. Allele origin: germline. Affected: yes.
Comment: Not observed at significant frequency in large population cohorts (gnomAD); In silico analysis supports that this missense variant has a deleterious effect on protein structure/function; Occurs in the triple helical domain at the X position in the canonical Gly-X-Y repeat; although this variant may have an effect on normal protein folding and function, missense substitution at the X position is not a common mechanism of disease (HGMD); This variant is associated with the following publications: (PMID: 39996803)

All of Us Research Program, National Institutes of Health
Classification: Uncertain significance for Ehlers-Danlos syndrome, type 4. Last evaluated: 2024-07-20. Review status: criteria provided, single submitter. Criteria: ACMG Guidelines, 2015. Collection method: clinical testing. Allele origin: germline. Inheritance: Autosomal dominant inheritance. Observed: 9 variant alleles, 9 heterozygotes.
Comment: This missense variant replaces proline with arginine at codon 517 of the COL3A1 protein. Computational prediction suggests that this variant may have deleterious impact on protein structure and function (internally defined REVEL score threshold >= 0.7, PMID: 27666373). Splice site prediction tools suggest that this variant may not impact RNA splicing. To our knowledge, functional studies have not been reported for this variant. This variant has not been reported in individuals affected with cardiovascular disorders in the literature. This variant has been identified in 1/175832 chromosomes in the general population by the Genome Aggregation Database (gnomAD). The available evidence is insufficient to determine the role of this variant in disease conclusively. Therefore, this variant is classified as a Variant of Uncertain Significance.

This study involves interpretation of variants in research participants for the purpose of population health screening. Participant phenotype was not available at the time of variant classification. Additional details can be found in publication PMID: 35346344, PMCID: PMC8962531

Blueprint Genetics
Classification: Uncertain significance. Last evaluated: 2024-07-05. Review status: criteria provided, single submitter. Criteria: ACMG Guidelines, 2015. Collection method: clinical testing. Allele origin: germline.

Color Diagnostics, LLC DBA Color Health
Classification: Uncertain significance for Familial thoracic aortic aneurysm and aortic dissection. Last evaluated: 2024-07-03. Review status: criteria provided, single submitter. Criteria: ACMG Guidelines, 2015. Collection method: clinical testing. Allele origin: germline.
Comment: This missense variant replaces proline with arginine at codon 517 of the COL3A1 protein. Computational prediction tools indicate that this variant has a deleterious impact on protein structure and function. To our knowledge, functional studies have not been reported for this variant. This variant has not been reported in individuals affected with COL3A1-related disorders in the literature. This variant has been identified in 1/175832 chromosomes in the general population by the Genome Aggregation Database (gnomAD). The available evidence is insufficient to determine the role of this variant in disease conclusively. Therefore, this variant is classified as a Variant of Uncertain Significance.

Ambry Genetics
Classification: Uncertain significance for Familial thoracic aortic aneurysm and aortic dissection. Last evaluated: 2022-08-02. Review status: criteria provided, single submitter. Criteria: Ambry Variant Classification Scheme 2023. Collection method: clinical testing. Allele origin: germline.
Comment: The p.P517R variant (also known as c.1550C>G), located in coding exon 22 of the COL3A1 gene, results from a C to G substitution at nucleotide position 1550. The proline at codon 517 is replaced by arginine, an amino acid with dissimilar properties. This amino acid position is well conserved in available vertebrate species. In addition, the in silico prediction for this alteration is inconclusive. Since supporting evidence is limited at this time, the clinical significance of this alteration remains unclear.

Literature cited by the submitters: PubMed 39996803 (cited by Women's Health and Genetics/Laboratory Corporation of America, LabCorp and Labcorp Genetics (formerly Invitae), Labcorp).